The following is an entry in ClinVar:

NM_020964.3(EPG5):c.2188G>C (p.Val730Leu)

Gene: EPG5 (ectopic P-granules 5 autophagy tethering factor; minus strand). Cytogenetic location: 18q21.1.
Variant type: single nucleotide variant.
Coding change: c.2188G>C on transcript NM_020964.3 (MANE Select); coding-DNA position 2188, G replaced by C.
Protein change: p.Val730Leu; replaces valine 730 with leucine.
Molecular consequence: missense variant.
Genome position (GRCh38, 1-based): chr18:45,934,878, C>G on the plus strand (G>C on the coding strand, the complement: EPG5 is on the minus strand). VCF-style: chr18-45934878-C-G. GRCh37 (hg19) VCF-style: chr18-43514844-C-G.
Other names: c.2188G>C (NM_020964.2); short protein forms V730L.
Identifiers: ClinVar variation 1441686 (VCV001441686.8), dbSNP rs376495076, ClinGen allele CA8949494.
Genomic context (GRCh38, chr18:45,934,878, plus strand): 5'-GCTGCTTGCACTGGGCGGGCTGCAGGGAGGAGGAGAGCTGCTGCAGGTTCTCGCTCTCCA[C>G]CTGGTGCATGAGGTAGAAGAGCTTCCACAGCATTTGCACAGACAGAGTCCCAAAGGGCAT-3'
Protein context (NP_066015.2, residues 720-740): LWKLFYLMHQ[Val730Leu]ESENLQQLSS

ClinVar aggregate classification (germline): Uncertain significance. Review status: criteria provided, multiple submitters, no conflicts (2 of 4 stars). 2 submissions from 2 submitters: Uncertain significance (2). Last evaluated 2025-02-12.

Conditions:
Vici syndrome (VICIS). Identifiers: Orphanet 1493, MedGen C1855772, MONDO:0009452, OMIM 242840.
Inborn genetic diseases. Identifiers: MedGen C0950123, MeSH D030342.

Allele frequency attached by ClinVar (database versions not stated): gnomAD 0.00001 and 0.00002; gnomAD exomes 0.00001 and 0.00002; ExAC 0.00002; TOPMed 0.00003; ESP Exome Variant Server 0.00008.
gnomAD v4.1: 30 of 1,614,044 alleles (0.0019%); highest among the groups gnomAD compares: Non-Finnish European, 0.0023%; no homozygotes.

Submissions (2):

Ambry Genetics
Classification: Uncertain significance for Inborn genetic diseases. Last evaluated: 2025-02-12. Review status: criteria provided, single submitter. Criteria: Ambry Variant Classification Scheme 2023. Collection method: clinical testing. Allele origin: germline.

Labcorp Genetics (formerly Invitae), Labcorp
Classification: Uncertain significance for Vici syndrome. Last evaluated: 2025-02-03. Review status: criteria provided, single submitter. Criteria: Invitae Variant Classification Sherloc (09022015). Collection method: clinical testing. Allele origin: germline.
Comment: This sequence change replaces valine, which is neutral and non-polar, with leucine, which is neutral and non-polar, at codon 730 of the EPG5 protein (p.Val730Leu). This variant is present in population databases (rs376495076, gnomAD 0.003%). This variant has not been reported in the literature in individuals affected with EPG5-related conditions. ClinVar contains an entry for this variant (Variation ID: 1441686). Invitae Evidence Modeling of protein sequence and biophysical properties (such as structural, functional, and spatial information, amino acid conservation, physicochemical variation, residue mobility, and thermodynamic stability) indicates that this missense variant is not expected to disrupt EPG5 protein function with a negative predictive value of 80%. In summary, the available evidence is currently insufficient to determine the role of this variant in disease. Therefore, it has been classified as a Variant of Uncertain Significance.